The following is an entry in ClinVar:

ClinVar aggregate classification (germline): Uncertain significance (1 of 4 stars; one submission).

Conditions:
Microcephaly, normal intelligence and immunodeficiency (NBS). Also called: Immunodeficiency, microcephaly with normal intelligence; Nijmegen breakage syndrome; Ataxia telangiectasia variant V1; SEEMANOVA SYNDROME II; BERLIN BREAKAGE SYNDROME; IMMUNODEFICIENCY, MICROCEPHALY, AND CHROMOSOMAL INSTABILITY. Identifiers: Orphanet 647, MedGen C0398791, MONDO:0009623, OMIM 251260.

Submission:

Labcorp Genetics (formerly Invitae), Labcorp
Classification: Uncertain significance for Microcephaly, normal intelligence and immunodeficiency. Last evaluated: 2019-10-22. Review status: criteria provided, single submitter. Criteria: Invitae Variant Classification Sherloc (09022015). Collection method: clinical testing. Allele origin: germline.
Comment: In summary, the available evidence is currently insufficient to determine the role of this variant in disease. Therefore, it has been classified as a Variant of Uncertain Significance. Algorithms developed to predict the effect of missense changes on protein structure and function output the following: SIFT: "Tolerated"; PolyPhen-2: "Benign"; Align-GVGD: "Class C0". The glutamic acid amino acid residue is found in multiple mammalian species, suggesting that this missense change does not adversely affect protein function. These predictions have not been confirmed by published functional studies and their clinical significance is uncertain. This variant has not been reported in the literature in individuals with NBN-related conditions. This variant is not present in population databases (ExAC no frequency). This sequence change replaces aspartic acid with glutamic acid at codon 560 of the NBN protein (p.Asp560Glu). The aspartic acid residue is weakly conserved and there is a small physicochemical difference between aspartic acid and glutamic acid.

NM_002485.5(NBN):c.1680T>A (p.Asp560Glu)

Gene: NBN (nibrin; minus strand). Cytogenetic location: 8q21.3.
Variant type: single nucleotide variant.
Coding change: c.1680T>A on transcript NM_002485.5 (MANE Select); coding-DNA position 1680, T replaced by A.
Protein change: p.Asp560Glu; replaces aspartic acid 560 with glutamic acid.
Molecular consequence: missense variant.
Genome position (GRCh38, 1-based): chr8:89,953,409, A>T on the plus strand (T>A on the coding strand, the complement: NBN is on the minus strand). VCF-style: chr8-89953409-A-T. GRCh37 (hg19) VCF-style: chr8-90965637-A-T.
Other names: c.1434T>A, p.Asp478Glu (NM_001024688.3); short protein forms D560E, D478E.
Identifiers: ClinVar variation 961673 (VCV000961673.9), dbSNP rs1810537339, ClinGen allele CA371655333.